The following is an entry in ClinVar:

NM_025219.3(DNAJC5):c.*1643T>C

Gene: DNAJC5 (DnaJ heat shock protein family (Hsp40) member C5; plus strand). Cytogenetic location: 20q13.33.
Variant type: single nucleotide variant.
Coding change: c.*1643T>C on transcript NM_025219.3 (MANE Select); 1643 bases downstream of the stop codon, T replaced by C.
Molecular consequence: 3 prime UTR variant.
Genome position (GRCh38, 1-based): chr20:63,933,211, T>C. VCF-style: chr20-63933211-T-C. GRCh37 (hg19) VCF-style: chr20-62564564-T-C.
Identifiers: ClinVar variation 339398 (VCV000339398.6), dbSNP rs142546412, ClinGen allele CA10650231.

ClinVar aggregate classification (germline): Benign (1 of 4 stars; one submission).

Conditions:
Ceroid lipofuscinosis, neuronal, 4 (Kufs type) (CLN4). Also called: Neuronal ceroid lipofuscinosis 4B; Ceroid lipofuscinosis, neuronal, 4, Parry type. Identifiers: Orphanet 228343, Orphanet 79262, MedGen C1834207, MONDO:0008083, OMIM 162350.

Allele frequency attached by ClinVar (database versions not stated): gnomAD 0.00005 and 0.00014; TOPMed 0.00008; 1000 Genomes Project 0.00080; 1000 Genomes Project 30x 0.00109.

Submission:

Illumina Laboratory Services, Illumina
Classification: Benign for Ceroid lipofuscinosis, neuronal, 4 (Kufs type). Last evaluated: 2018-01-13. Review status: criteria provided, single submitter. Criteria: ICSL Variant Classification Criteria 13 December 2019. Collection method: clinical testing. Allele origin: germline.
Comment: This variant was observed in the ICSL laboratory as part of a predisposition screen in an ostensibly healthy population. It had not been previously curated by ICSL or reported in the Human Gene Mutation Database (HGMD: prior to June 1st, 2018), and was therefore a candidate for classification through an automated scoring system. Utilizing variant allele frequency, disease prevalence and penetrance estimates, and inheritance mode, an automated score was calculated to assess if this variant is too frequent to cause the disease. Based on the score and internal cut-off values, a variant classified as benign is not then subjected to further curation. The score for this variant resulted in a classification of benign for this disease.